The following is an entry in ClinVar:

NM_000368.5(TSC1):c.1997+3A>G

Gene: TSC1 (TSC complex subunit 1; minus strand). Cytogenetic location: 9q34.13.
Variant type: single nucleotide variant.
Coding change: c.1997+3A>G on transcript NM_000368.5 (MANE Select); 3 bases into the intron after coding-DNA position 1997, A replaced by G.
Molecular consequence: intron variant.
Genome position (GRCh38, 1-based): chr9:132,905,578, T>C on the plus strand (A>G on the coding strand, the complement: TSC1 is on the minus strand). VCF-style: chr9-132905578-T-C. GRCh37 (hg19) VCF-style: chr9-135780965-T-C.
Other names: c.1634+3A>G (NM_001362177.2); c.1844+3A>G (NM_001162427.2); c.1994+3A>G (NM_001162426.2).
Identifiers: ClinVar variation 466055 (VCV000466055.7), dbSNP rs1554815682, ClinGen allele CA658656071.

ClinVar aggregate classification (germline): Uncertain significance. Review status: criteria provided, multiple submitters, no conflicts (2 of 4 stars). 2 submissions from 2 submitters: Uncertain significance (2). Last evaluated 2024-12-10.

Conditions:
Tuberous sclerosis 1 (TSC1). Identifiers: Orphanet 805, MedGen C1854465, MONDO:0008612, OMIM 191100.
Hereditary cancer-predisposing syndrome. Also called: Hereditary neoplastic syndrome; Neoplastic Syndromes, Hereditary; Tumor predisposition; Hereditary Cancer Syndrome. Identifiers: Orphanet 140162, MedGen C0027672, MeSH D009386, MONDO:0015356.

Submissions (2):

Ambry Genetics
Classification: Uncertain significance for Hereditary cancer-predisposing syndrome. Last evaluated: 2024-12-10. Review status: criteria provided, single submitter. Criteria: Ambry Variant Classification Scheme 2023. Collection method: clinical testing. Allele origin: germline.
Comment: The c.1997+3A>G intronic variant results from an A to G substitution 3 nucleotides after coding exon 13 in the TSC1 gene. This nucleotide position is not well conserved in available vertebrate species. In silico splice site analysis predicts that this alteration will not have any significant effect on splicing. Based on the available evidence, the clinical significance of this variant remains unclear.

Labcorp Genetics (formerly Invitae), Labcorp
Classification: Uncertain significance for Tuberous sclerosis 1. Last evaluated: 2023-03-07. Review status: criteria provided, single submitter. Criteria: Invitae Variant Classification Sherloc (09022015). Collection method: clinical testing. Allele origin: germline.
Comment: This sequence change falls in intron 15 of the TSC1 gene. It does not directly change the encoded amino acid sequence of the TSC1 protein. It affects a nucleotide within the consensus splice site. This variant is not present in population databases (gnomAD no frequency). This variant has not been reported in the literature in individuals affected with TSC1-related conditions. ClinVar contains an entry for this variant (Variation ID: 466055). In summary, the available evidence is currently insufficient to determine the role of this variant in disease. Therefore, it has been classified as a Variant of Uncertain Significance. Variants that disrupt the consensus splice site are a relatively common cause of aberrant splicing (PMID: 17576681, 9536098). Algorithms developed to predict the effect of sequence changes on RNA splicing suggest that this variant is not likely to affect RNA splicing.

Literature cited by the submitters: PubMed 17576681 (cited by Labcorp Genetics (formerly Invitae), Labcorp); PubMed 9536098 (cited by Labcorp Genetics (formerly Invitae), Labcorp).